The following is an entry in ClinVar:

NM_004336.5(BUB1):c.545T>C (p.Met182Thr)

Gene: BUB1 (BUB1 mitotic checkpoint serine/threonine kinase; minus strand). Cytogenetic location: 2q13.
Variant type: single nucleotide variant.
Coding change: c.545T>C on transcript NM_004336.5 (MANE Select); coding-DNA position 545, T replaced by C.
Protein change: p.Met182Thr; replaces methionine 182 with threonine.
Molecular consequence: missense variant.
Genome position (GRCh38, 1-based): chr2:110,669,475, A>G on the plus strand (T>C on the coding strand, the complement: BUB1 is on the minus strand). VCF-style: chr2-110669475-A-G. GRCh37 (hg19) VCF-style: chr2-111427052-A-G.
Other names: c.485T>C, p.Met162Thr (NM_001278616.2); c.545T>C, p.Met182Thr (NM_001278617.2); short protein forms M162T, M182T.
Identifiers: ClinVar variation 1747661 (VCV001747661.2), dbSNP rs1690357978, ClinGen allele CA348219115.
Genomic context (GRCh38, chr2:110,669,475, plus strand): 5'-TTCCCAGTTTCCACACAAGCTACAAATGTCATTATTACCTGATTCTTAGAAATGCAGGCC[A>G]TGTTATTTCCTGGATTTGATTTTGATGTTATCATTTGATTTAAAACCTGAACATTATGCA-3'
Protein context (NP_004327.1, residues 172-192): ITSKSNPGNN[Met182Thr]ACISKNQGSE

ClinVar aggregate classification (germline): Uncertain significance (1 of 4 stars; one submission).

Allele frequency attached by ClinVar (database versions not stated): gnomAD exomes below 0.00001; TOPMed below 0.00001.

Submission:

Ambry Genetics
Classification: Uncertain significance. Last evaluated: 2021-12-12. Review status: criteria provided, single submitter. Criteria: Ambry Variant Classification Scheme 2023. Collection method: clinical testing. Allele origin: germline.
Comment: The p.M182T variant (also known as c.545T>C), located in coding exon 6 of the BUB1 gene, results from a T to C substitution at nucleotide position 545. The methionine at codon 182 is replaced by threonine, an amino acid with similar properties. This amino acid position is conserved. In addition, this alteration is predicted to be tolerated by in silico analysis. Since supporting evidence is limited at this time, the clinical significance of this alteration remains unclear.